The following is an entry in ClinVar:

ClinVar aggregate classification (germline): Uncertain significance (1 of 4 stars; one submission).

Conditions:
Autoimmune lymphoproliferative syndrome type 2A (ALPS2A). Also called: CASP10-Related Autoimmune Lymphoproliferative Syndrome; AUTOIMMUNE LYMPHOPROLIFERATIVE SYNDROME, TYPE IIA; Autoimmune lymphoproliferative syndrome type 2. Identifiers: Orphanet 3261, MedGen C1858968, MONDO:0011383, OMIM 603909.

Allele frequency attached by ClinVar (database versions not stated): gnomAD exomes below 0.00001.
gnomAD v4.1: 1 of 1,603,982 alleles (0.000062%); highest among the groups gnomAD compares: Non-Finnish European, 0.000085%; no homozygotes.

Submission:

Labcorp Genetics (formerly Invitae), Labcorp
Classification: Uncertain significance for Autoimmune lymphoproliferative syndrome type 2A. Last evaluated: 2025-12-17. Review status: criteria provided, single submitter. Criteria: Invitae Variant Classification Sherloc (09022015). Collection method: clinical testing. Allele origin: germline.
Comment: This sequence change replaces threonine, which is neutral and polar, with lysine, which is basic and polar, at codon 270 of the CASP10 protein (p.Thr270Lys). This variant is not present in population databases (gnomAD no frequency). This variant has not been reported in the literature in individuals affected with CASP10-related conditions. ClinVar contains an entry for this variant (Variation ID: 949533). Invitae Evidence Modeling of protein sequence and biophysical properties (such as structural, functional, and spatial information, amino acid conservation, physicochemical variation, residue mobility, and thermodynamic stability) indicates that this missense variant is not expected to disrupt CASP10 protein function with a negative predictive value of 80%. In summary, the available evidence is currently insufficient to determine the role of this variant in disease. Therefore, it has been classified as a Variant of Uncertain Significance.

NM_032977.4(CASP10):c.809C>A (p.Thr270Lys)

Gene: CASP10 (caspase 10; plus strand). Cytogenetic location: 2q33.1.
Variant type: single nucleotide variant.
Coding change: c.809C>A on transcript NM_032977.4 (MANE Select); coding-DNA position 809, C replaced by A.
Protein change: p.Thr270Lys; replaces threonine 270 with lysine.
Molecular consequence: missense variant. On other transcripts: intron variant (4).
Genome position (GRCh38, 1-based): chr2:201,205,969, C>A. VCF-style: chr2-201205969-C-A. GRCh37 (hg19) VCF-style: chr2-202070692-C-A.
Other names: c.809C>A, p.Thr270Lys (NM_032974.5); c.685-2106C>A (NM_001206542.2, NM_001230.5); c.722-2106C>A (NM_032976.4); c.721+2203C>A (NM_001206524.2); short protein forms T270K.
Identifiers: ClinVar variation 949533 (VCV000949533.4), dbSNP rs1945189904, ClinGen allele CA350284459.